The following is an entry in ClinVar:

NM_000268.4(NF2):c.22C>G (p.Arg8Gly)

Gene: NF2 (NF2, moesin-ezrin-radixin like (MERLIN) tumor suppressor; plus strand). Cytogenetic location: 22q12.2.
Variant type: single nucleotide variant.
Coding change: c.22C>G on transcript NM_000268.4 (MANE Select); coding-DNA position 22, C replaced by G.
Protein change: p.Arg8Gly; replaces arginine 8 with glycine.
Molecular consequence: missense variant. On other transcripts: non-coding transcript variant (1).
Genome position (GRCh38, 1-based): chr22:29,604,020, C>G. VCF-style: chr22-29604020-C-G. GRCh37 (hg19) VCF-style: chr22-30000009-C-G.
Other names: c.-209C>G (NM_001407053.1, NM_001407056.1); c.22C>G, p.Arg8Gly (NM_001407054.1, NM_001407055.1, NM_001407057.1 and 15 more transcripts); c.-619C>G (NM_001407065.1); c.-235C>G (NM_001407067.1); short protein forms R8G.
Identifiers: ClinVar variation 2278982 (VCV002278982.3), dbSNP rs868416935, ClinGen allele CA411145788.

ClinVar aggregate classification (germline): Uncertain significance (1 of 4 stars; one submission).

Conditions:
Hereditary cancer-predisposing syndrome. Also called: Tumor predisposition; Hereditary Cancer Syndrome; Hereditary neoplastic syndrome; Neoplastic Syndromes, Hereditary. Identifiers: Orphanet 140162, MedGen C0027672, MeSH D009386, MONDO:0015356.

Submission:

Ambry Genetics
Classification: Uncertain significance for Hereditary cancer-predisposing syndrome. Last evaluated: 2026-05-30. Review status: criteria provided, single submitter. Criteria: Ambry Variant Classification Scheme 2023. Collection method: clinical testing. Allele origin: germline.
Comment: The p.R8G variant (also known as c.22C>G), located in coding exon 1 of the NF2 gene, results from a C to G substitution at nucleotide position 22. The arginine at codon 8 is replaced by glycine, an amino acid with dissimilar properties. This amino acid position is conserved. In addition, this alteration is predicted to be deleterious by in silico analysis. Based on the available evidence, the clinical significance of this variant remains unclear.